The following is an entry in ClinVar:

ClinVar aggregate classification (germline): Pathogenic (1 of 4 stars; one submission).

Submission:

Labcorp Genetics (formerly Invitae), Labcorp
Classification: Pathogenic. Last evaluated: 2021-06-18. Review status: criteria provided, single submitter. Criteria: Invitae Variant Classification Sherloc (09022015). Collection method: clinical testing. Allele origin: germline.
Comment: For these reasons, this variant has been classified as Pathogenic. This variant has not been reported in the literature in individuals with EYS-related conditions. This variant is not present in population databases (ExAC no frequency). This sequence change creates a premature translational stop signal (p.Thr1262Asnfs*5) in the EYS gene. It is expected to result in an absent or disrupted protein product. Loss-of-function variants in EYS are known to be pathogenic (PMID: 18836446, 20333770).

Literature cited by the submitters: PubMed 18836446; PubMed 20333770.

NM_001142800.2(EYS):c.3783_3784del (p.Thr1262fs)

Gene: EYS (EGF-like photoreceptor maintenance factor; minus strand). Cytogenetic location: 6q12.
Variant type: Microsatellite.
Coding change: c.3783_3784del on transcript NM_001142800.2 (MANE Select); coding-DNA positions 3783 to 3784, 2 bases deleted (TA; older notation c.3783_3784delTA).
Protein change: p.Thr1262fs; shifts the reading frame from threonine 1262.
Molecular consequence: frameshift variant.
Genome position (GRCh38, 1-based): chr6:64,593,210-64,593,211, TA deleted on the plus strand (TA on the coding strand, the reverse complement: EYS is on the minus strand); deleting any 2 consecutive bases within chr6:64,593,210-64,593,214 gives the same sequence; the c. name uses the placement nearest the transcript's 3' end. VCF-style (leftmost placement, unchanged base first): chr6-64593209-GTA-G. GRCh37 (hg19) VCF-style: chr6-65303102-GTA-G.
Other names: c.3783_3784del, p.Thr1262fs (NM_001292009.2); short protein forms T1262fs.
Identifiers: ClinVar variation 1451645 (VCV001451645.6), dbSNP rs2149833339, ClinGen allele CA2578660341.
Genomic context (GRCh38, chr6:64,593,209, plus strand): 5'-GGTATTCTAGTAGCCTTTATAGATGGAAAGCTGCTGACCAAAGTCTCAGAAGGGGGAATT[GTA>G]TATGTCTGTGTGGAAATGGGATCTGTTCTTTGAAAGATGGGAGTTAAACAGGTAATTCTC-3'